The following is an entry in ClinVar:

NM_001194.4(HCN2):c.1907A>C (p.Asp636Ala)

Gene: HCN2 (hyperpolarization activated cyclic nucleotide gated potassium and sodium channel 2; plus strand). Cytogenetic location: 19p13.3.
Variant type: single nucleotide variant.
Coding change: c.1907A>C on transcript NM_001194.4 (MANE Select); coding-DNA position 1907, A replaced by C.
Protein change: p.Asp636Ala; replaces aspartic acid 636 with alanine.
Molecular consequence: missense variant.
Genome position (GRCh38, 1-based): chr19:613,933, A>C. VCF-style: chr19-613933-A-C. GRCh37 (hg19) VCF-style: chr19-613933-A-C.
Other names: short protein forms D636A.
Identifiers: ClinVar variation 4292628 (VCV004292628.1).

ClinVar aggregate classification (germline): Uncertain significance (1 of 4 stars; one submission).

Conditions:
HCN2-related disorder. Also called: HCN2-related condition.

Submission:

3billion
Classification: Uncertain significance for HCN2-related disorder. Last evaluated: 2024-08-12. Review status: criteria provided, single submitter. Criteria: ACMG Guidelines, 2015. Collection method: clinical testing. Allele origin: germline. Affected: yes.
Comment: The variant is not observed in the gnomAD v4.0.0 dataset. Predicted Consequence/Location: Missense changes are a common disease-causing mechanism. In silico tool predictions suggest damaging effect of the variant on gene or gene product [REVEL: 0.75 (>=0.6, sensitivity 0.68 and specificity 0.92); 3Cnet: 0.79 (>=0.6, sensitivity 0.72 and precision 0.9)]. Therefore, this variant is classified as VUS according to the recommendation of ACMG/AMP guideline.